The following is an entry in ClinVar:

NM_001377.3(DYNC2H1):c.5511C>A (p.Asp1837Glu)

Gene: DYNC2H1 (dynein cytoplasmic 2 heavy chain 1; plus strand). Cytogenetic location: 11q22.3.
Variant type: single nucleotide variant.
Coding change: c.5511C>A on transcript NM_001377.3 (MANE Select); coding-DNA position 5511, C replaced by A.
Protein change: p.Asp1837Glu; replaces aspartic acid 1837 with glutamic acid.
Molecular consequence: missense variant.
Genome position (GRCh38, 1-based): chr11:103,173,258, C>A. VCF-style: chr11-103173258-C-A. GRCh37 (hg19) VCF-style: chr11-103043987-C-A.
Other names: c.5511C>A, p.Asp1837Glu (NM_001080463.2); short protein forms D1837E.
Identifiers: ClinVar variation 1985522 (VCV001985522.4), dbSNP rs201953670, ClinGen allele CA382243132.

ClinVar aggregate classification (germline): Uncertain significance (1 of 4 stars; one submission).

Conditions:
Jeune thoracic dystrophy. Also called: Jeune syndrome; Infantile thoracic dystrophy; Thoracic pelvic phalangeal dystrophy; Jeune's syndrome; Chondroectodermal dysplasia-like syndrome; Short-rib thoracic dysplasia. Identifiers: Orphanet 474, MedGen C0265275, MONDO:0018770.

Submission:

Labcorp Genetics (formerly Invitae), Labcorp
Classification: Uncertain significance for Jeune thoracic dystrophy. Last evaluated: 2022-07-20. Review status: criteria provided, single submitter. Criteria: Invitae Variant Classification Sherloc (09022015). Collection method: clinical testing. Allele origin: germline.
Comment: In summary, the available evidence is currently insufficient to determine the role of this variant in disease. Therefore, it has been classified as a Variant of Uncertain Significance. Advanced modeling of protein sequence and biophysical properties (such as structural, functional, and spatial information, amino acid conservation, physicochemical variation, residue mobility, and thermodynamic stability) performed at Invitae indicates that this missense variant is not expected to disrupt DYNC2H1 protein function. This variant has not been reported in the literature in individuals affected with DYNC2H1-related conditions. This variant is not present in population databases (gnomAD no frequency). This sequence change replaces aspartic acid, which is acidic and polar, with glutamic acid, which is acidic and polar, at codon 1837 of the DYNC2H1 protein (p.Asp1837Glu).